The following is an entry in ClinVar:

ClinVar aggregate classification (germline): Conflicting classifications of pathogenicity. Review status: criteria provided, conflicting classifications (1 of 4 stars). 6 submissions from 5 submitters: Uncertain significance (5); Likely benign (1). Last evaluated 2025-12-10.

Conditions:
Adams-Oliver syndrome 5 (AOS5). Identifiers: Orphanet 974, MedGen C4014970, MONDO:0014459, OMIM 616028.
Familial thoracic aortic aneurysm and aortic dissection (TAAD). Also called: Thoracic aortic aneurysms and dissections. Identifiers: Orphanet 91387, MedGen C4707243, MONDO:0019625.
Aortic valve disease 1 (AOVD1). Identifiers: MedGen C3887892, MONDO:0024523, OMIM 109730.

Allele frequency attached by ClinVar (database versions not stated): ExAC 0.00001; gnomAD 0.00001; gnomAD exomes 0.00002; TOPMed 0.00002; ESP Exome Variant Server 0.00008.
gnomAD v4.1: 24 of 1,612,612 alleles (0.0015%); highest among the groups gnomAD compares: Non-Finnish European, 0.0019%; no homozygotes.

Submissions (6):

Ambry Genetics
Classification: Uncertain significance for Familial thoracic aortic aneurysm and aortic dissection. Last evaluated: 2025-12-10. Review status: criteria provided, single submitter. Criteria: Ambry Variant Classification Scheme 2023. Collection method: clinical testing. Allele origin: germline.
Comment: The p.R1854C variant (also known as c.5560C>T), located in coding exon 30 of the NOTCH1 gene, results from a C to T substitution at nucleotide position 5560. The arginine at codon 1854 is replaced by cysteine, an amino acid with highly dissimilar properties. This amino acid position is highly conserved in available vertebrate species. In addition, this alteration is predicted to be deleterious by in silico analysis. Since supporting evidence is limited at this time, the clinical significance of this alteration remains unclear.

Labcorp Genetics (formerly Invitae), Labcorp
Classification: Likely benign for Adams-Oliver syndrome 5. Last evaluated: 2025-02-26. Review status: criteria provided, single submitter. Criteria: Invitae Variant Classification Sherloc (09022015). Collection method: clinical testing. Allele origin: germline.

GeneDx
Classification: Uncertain significance. Last evaluated: 2024-08-12. Review status: criteria provided, single submitter. Criteria: GeneDx Variant Classification Process June 2021. Collection method: clinical testing. Allele origin: germline. Affected: yes.
Comment: Has not been previously published as pathogenic or benign to our knowledge; In silico analysis supports that this missense variant has a deleterious effect on protein structure/function; This variant is associated with the following publications: (PMID: 26699486)

Genome-Nilou Lab
Classification: Uncertain significance for Adams-Oliver syndrome 5. Last evaluated: 2022-03-15. Review status: criteria provided, single submitter. Criteria: ACMG Guidelines, 2015. Collection method: clinical testing. Allele origin: germline. Affected: no.

Genome-Nilou Lab
Classification: Uncertain significance for Aortic valve disease 1. Last evaluated: 2022-03-15. Review status: criteria provided, single submitter. Criteria: ACMG Guidelines, 2015. Collection method: clinical testing. Allele origin: germline. Affected: no.

Laboratory for Molecular Medicine, Mass General Brigham Personalized Medicine
Classification: Uncertain significance. Last evaluated: 2018-10-24. Review status: criteria provided, single submitter. Criteria: LMM Criteria. Collection method: clinical testing. Allele origin: germline. Observed: 1 variant allele.
Comment: The p.Arg1854Cys variant in NOTCH1 has not been reported in the literature in in dividuals with aortic valve disease or Adams-Oliver syndrome, but has been repor ted as a variant of uncertain signficance in ClinVar (Variation ID# 520079). It has also been identified in 0.01% (3/23838) of African chromosomes by gnomAD. Computational prediction tools and conservation analysis suggest that the variant may impact the protein, though this informati on is not predictive enough to determine pathogenicity. In summary, the clinical significance of the p.Arg1854Cys variant is uncertain. ACMG/AMP Criteria applie d: PM2_Supporting, PP3.

Literature cited by the submitters: PubMed 26699486 (cited by Laboratory for Molecular Medicine, Mass General Brigham Personalized Medicine).

NM_017617.5(NOTCH1):c.5560C>T (p.Arg1854Cys)

Gene: NOTCH1 (notch receptor 1; minus strand). Cytogenetic location: 9q34.3.
Variant type: single nucleotide variant.
Coding change: c.5560C>T on transcript NM_017617.5 (MANE Select); coding-DNA position 5560, C replaced by T.
Protein change: p.Arg1854Cys; replaces arginine 1854 with cysteine.
Molecular consequence: missense variant.
Genome position (GRCh38, 1-based): chr9:136,501,826, G>A on the plus strand (C>T on the coding strand, the complement: NOTCH1 is on the minus strand). VCF-style: chr9-136501826-G-A. GRCh37 (hg19) VCF-style: chr9-139396278-G-A.
Other names: c.5560C>T, p.Arg1854Cys (LRG_1122t1); short protein forms R1854C.
Identifiers: ClinVar variation 520079 (VCV000520079.19), dbSNP rs376689092, ClinGen allele CA5340211.